The following is an entry in ClinVar:

NM_000719.7(CACNA1C):c.722T>C (p.Val241Ala)

Gene: CACNA1C (calcium voltage-gated channel subunit alpha1 C; plus strand). Cytogenetic location: 12p13.33.
Variant type: single nucleotide variant.
Coding change: c.722T>C on transcript NM_000719.7 (MANE Select); coding-DNA position 722, T replaced by C.
Protein change: p.Val241Ala; replaces valine 241 with alanine.
Molecular consequence: missense variant.
Genome position (GRCh38, 1-based): chr12:2,457,671, T>C. VCF-style: chr12-2457671-T-C. GRCh37 (hg19) VCF-style: chr12-2566837-T-C.
Other names: c.722T>C, p.Val241Ala (NM_001129834.2, NM_001129835.2, NM_001129836.2 and 19 more transcripts); c.722T>C (NM_000719.6); short protein forms V241A.
Identifiers: ClinVar variation 973262 (VCV000973262.6), dbSNP rs2099444326, ClinGen allele CA383367845.

ClinVar aggregate classification (germline): Likely pathogenic. Review status: criteria provided, multiple submitters, no conflicts (2 of 4 stars). 2 submissions from 2 submitters: Likely pathogenic (2). Last evaluated 2024-12-16.

Conditions:
Brugada syndrome 3 (BRGDA3). Identifiers: Orphanet 130, MedGen C2678478, MONDO:0012742, OMIM 611875.
Timothy syndrome (TS). Also called: LONG QT SYNDROME WITH SYNDACTYLY. Identifiers: Orphanet 65283, MedGen C1832916, MeSH C536962, MONDO:0010979, OMIM 601005.

Submissions (2):

GeneDx
Classification: Likely pathogenic. Last evaluated: 2024-12-16. Review status: criteria provided, single submitter. Criteria: GeneDx Variant Classification Process June 2021. Collection method: clinical testing. Allele origin: germline. Affected: yes.
Comment: Not observed at significant frequency in large population cohorts (gnomAD); In silico analysis supports that this missense variant has a deleterious effect on protein structure/function; This variant is associated with the following publications: (PMID: 32371413)

Institute for Genomic Medicine (IGM) Clinical Laboratory, Nationwide Children's Hospital
Classification: Likely pathogenic for Timothy syndrome; Brugada syndrome 3. Last evaluated: 2018-03-13. Review status: criteria provided, single submitter. Criteria: ACMG Guidelines, 2015. Collection method: clinical testing. Allele origin: germline. Affected: yes.
Comment: [ACMG/AMP: PS2, PM1, PM2, PP3] This alteration is de novo in origin as it was not detected in the submitted parental specimens (identity confirmed) [PS2], is located in a mutational hotspot and/or critical and well-established functional domain [PM1], is absent from or rarely observed in large-scale population databases [PM2], is predicted to be damaging by multiple functional prediction tools [PP3].